The following is an entry in ClinVar:

NM_004958.4(MTOR):c.1356G>C (p.Leu452Phe)

Gene: MTOR (mechanistic target of rapamycin kinase; minus strand). Cytogenetic location: 1p36.22.
Variant type: single nucleotide variant.
Coding change: c.1356G>C on transcript NM_004958.4 (MANE Select); coding-DNA position 1356, G replaced by C.
Protein change: p.Leu452Phe; replaces leucine 452 with phenylalanine.
Molecular consequence: missense variant.
Genome position (GRCh38, 1-based): chr1:11,243,170, C>G on the plus strand (G>C on the coding strand, the complement: MTOR is on the minus strand). VCF-style: chr1-11243170-C-G. GRCh37 (hg19) VCF-style: chr1-11303227-C-G.
Other names: c.1356G>C, p.Leu452Phe (NM_001386500.1); c.108G>C, p.Leu36Phe (NM_001386501.1); short protein forms L452F, L36F.
Identifiers: ClinVar variation 1362733 (VCV001362733.6), dbSNP rs1648319414, ClinGen allele CA338396054.
Genomic context (GRCh38, chr1:11,243,170, plus strand): 5'-TTACTTATGGGCGAAGTCCTTTGGGGGCAGGGCCGCTCGGATGATGTCCAGCACGCGAGG[C>G]AAATAGACCTTAAACTCAGACCTCACAGCCACAGAAAGTAGCCCCAGGGCTTGGAAGGCC-3'
Protein context (NP_004949.1, residues 442-462): VAVRSEFKVY[Leu452Phe]PRVLDIIRAA

ClinVar aggregate classification (germline): Uncertain significance (1 of 4 stars; one submission).

Allele frequency attached by ClinVar (database versions not stated): TOPMed below 0.00001; gnomAD exomes 0.00001.
gnomAD v4.1: 9 of 1,614,108 alleles (0.00056%); highest among the groups gnomAD compares: Non-Finnish European, 0.00076%; no homozygotes.

Submission:

Labcorp Genetics (formerly Invitae), Labcorp
Classification: Uncertain significance. Last evaluated: 2022-07-26. Review status: criteria provided, single submitter. Criteria: Invitae Variant Classification Sherloc (09022015). Collection method: clinical testing. Allele origin: germline.
Comment: In summary, the available evidence is currently insufficient to determine the role of this variant in disease. Therefore, it has been classified as a Variant of Uncertain Significance. Advanced modeling of protein sequence and biophysical properties (such as structural, functional, and spatial information, amino acid conservation, physicochemical variation, residue mobility, and thermodynamic stability) performed at Invitae indicates that this missense variant is expected to disrupt MTOR protein function. ClinVar contains an entry for this variant (Variation ID: 1362733). This variant has not been reported in the literature in individuals affected with MTOR-related conditions. This variant is not present in population databases (gnomAD no frequency). This sequence change replaces leucine, which is neutral and non-polar, with phenylalanine, which is neutral and non-polar, at codon 452 of the MTOR protein (p.Leu452Phe).